The following is an entry in ClinVar:

ClinVar aggregate classification (germline): Uncertain significance (1 of 4 stars; one submission).

Conditions:
Hypertrophic cardiomyopathy. Also called: HYPERTROPHIC MYOCARDIOPATHY. Identifiers: Orphanet 217569, MedGen C0007194, MeSH D002312, MONDO:0005045, HP:0001639.

Submission:

Labcorp Genetics (formerly Invitae), Labcorp
Classification: Uncertain significance for Hypertrophic cardiomyopathy. Last evaluated: 2023-09-10. Review status: criteria provided, single submitter. Criteria: Invitae Variant Classification Sherloc (09022015). Collection method: clinical testing. Allele origin: germline.
Comment: In summary, the available evidence is currently insufficient to determine the role of this variant in disease. Therefore, it has been classified as a Variant of Uncertain Significance. Advanced modeling of protein sequence and biophysical properties (such as structural, functional, and spatial information, amino acid conservation, physicochemical variation, residue mobility, and thermodynamic stability) has been performed at Invitae for this missense variant, however the output from this modeling did not meet the statistical confidence thresholds required to predict the impact of this variant on MYH7 protein function. This variant has not been reported in the literature in individuals affected with MYH7-related conditions. This variant is not present in population databases (gnomAD no frequency). This sequence change replaces alanine, which is neutral and non-polar, with threonine, which is neutral and polar, at codon 550 of the MYH7 protein (p.Ala550Thr).

NM_000257.4(MYH7):c.1648G>A (p.Ala550Thr)

Gene: MYH7 (myosin heavy chain 7; minus strand). Cytogenetic location: 14q11.2.
Variant type: single nucleotide variant.
Coding change: c.1648G>A on transcript NM_000257.4 (MANE Select); coding-DNA position 1648, G replaced by A.
Protein change: p.Ala550Thr; replaces alanine 550 with threonine.
Molecular consequence: missense variant.
Genome position (GRCh38, 1-based): chr14:23,427,825, C>T on the plus strand (G>A on the coding strand, the complement: MYH7 is on the minus strand). VCF-style: chr14-23427825-C-T. GRCh37 (hg19) VCF-style: chr14-23897034-C-T.
Other names: c.1648G>A, p.Ala550Thr (NM_001407004.1); short protein forms A550T.
Identifiers: ClinVar variation 2759656 (VCV002759656.3), dbSNP rs1892755449, ClinGen allele CA389050119.
Genomic context (GRCh38, chr14:23,427,825, plus strand): 5'-TGATATTGCGTGGCTTCTGGAAGTTGGCGGATTTGCCCAGGTGGTTGTCAAACAGCTTGG[C>T]CTTGAAGGTCATGTCGGTGGCCTTGGGGAACATGCACTCCTCTTCCAGGATGGACATGAT-3'
Protein context (NP_000248.2, residues 540-560): FPKATDMTFK[Ala550Thr]KLFDNHLGKS